The following is an entry in ClinVar:

NM_001378454.1(ALMS1):c.5870_5873del (p.Asp1957fs)

Gene: ALMS1 (ALMS1 centrosome and basal body associated protein; plus strand). Cytogenetic location: 2p13.1.
Variant type: Deletion.
Coding change: c.5870_5873del on transcript NM_001378454.1 (MANE Select); coding-DNA positions 5870 to 5873, 4 bases deleted (ACAG; older notation c.5870_5873delACAG).
Protein change: p.Asp1957fs; shifts the reading frame from aspartic acid 1957.
Molecular consequence: frameshift variant.
Genome position (GRCh38, 1-based): chr2:73,452,397-73,452,400, ACAG deleted; deleting any 4 consecutive bases within chr2:73,452,394-73,452,400 gives the same sequence; the c. name uses the placement nearest the transcript's 3' end. VCF-style (leftmost placement, unchanged base first): chr2-73452393-CCAGA-C. GRCh37 (hg19) VCF-style: chr2-73679520-CCAGA-C.
Other names: c.5873_5876delACAG (NM_015120.4); c.5873_5876del, p.Asp1958fs (NM_015120.4); short protein forms D1957fs, D1958fs.
Identifiers: ClinVar variation 4294384 (VCV004294384.2).
Genomic context (GRCh38, chr2:73,452,393, plus strand): 5'-GTACCTTTAAGTTACTACTCACGTAGAGAGAAGCCCAGTGTTATCTCTCAACAGGAGTTG[CCAGA>C]CAGTCATCTCACAGAAGAGGCTCTGAAAGTTTCACCTGTTTCTATACCAGCAGAGCAGAA-3'

ClinVar aggregate classification (germline): Pathogenic. Review status: criteria provided, multiple submitters, no conflicts (2 of 4 stars). 2 submissions from 2 submitters: Pathogenic (2). Last evaluated 2025-04-16.

Conditions:
Alstrom syndrome (ALMS). Identifiers: Orphanet 64, MedGen C0268425, MONDO:0008763, OMIM 203800.

Submissions (2):

Natera, Inc.
Classification: Pathogenic for Alstrom syndrome. Last evaluated: 2025-04-16. Review status: criteria provided, single submitter. Criteria: Natera Variant Classification Schema (03/2026). Collection method: clinical testing. Allele origin: germline.
Comment: The c.5873_5876delACAG variant in ALMS1 is a frameshift variant predicted to shift the reading frame beginning at codon 1958 and leads to a stop codon 8 codons downstream. This variant is expected to result in nonsense mediated decay, truncation, or a dysfunctional protein product. This variant is rare in the general population with a frequency below the threshold expected for the associated phenotype(s). This variant has been observed in one or more individuals affected with the associated recessive disease, as either homozygous or compound heterozygous with a second variant (PMID: 19283855). Given the available evidence, this variant is classified as Pathogenic.

Laboratoire Génétique Moléculaire, CHRU TOURS
Classification: Pathogenic for Alstrom syndrome. Last evaluated: 2024-10-16. Review status: criteria provided, single submitter. Criteria: ACMG Guidelines, 2015. Collection method: clinical testing. Allele origin: unknown. Affected: yes.
Comment: PVS1;PM3;PP4

Literature cited by the submitters: PubMed 19283855 (cited by Natera, Inc.).